The following is an entry in ClinVar:

ClinVar aggregate classification (germline): Benign. Review status: criteria provided, multiple submitters, no conflicts (2 of 4 stars). 3 submissions from 3 submitters: Benign (3). Last evaluated 2021-07-14.

Conditions:
Hearing loss, autosomal recessive 112. Also called: DEAFNESS, AUTOSOMAL RECESSIVE 112. Identifiers: MedGen C4748855, MONDO:0032639, OMIM 618257.

Allele frequency attached by ClinVar (database versions not stated): 1000 Genomes Project 30x 0.39741; 1000 Genomes Project 0.39956; TOPMed 0.40151; gnomAD 0.41857 and 0.41911; gnomAD exomes 0.44659.
gnomAD v4.1: 300,724 of 682,746 alleles (44%); highest among the groups gnomAD compares: South Asian, 48%; 67,379 homozygotes.

Submissions (3):

Genome-Nilou Lab
Classification: Benign for Hearing loss, autosomal recessive 112. Last evaluated: 2021-07-14. Review status: criteria provided, single submitter. Criteria: ACMG Guidelines, 2015. Collection method: clinical testing. Allele origin: germline. Affected: no.

GeneDx
Classification: Benign. Last evaluated: 2018-06-14. Review status: criteria provided, single submitter. Criteria: GeneDx Variant Classification (06012015). Collection method: clinical testing. Allele origin: germline. Affected: yes.
Comment: This variant is considered likely benign or benign based on one or more of the following criteria: it is a conservative change, it occurs at a poorly conserved position in the protein, it is predicted to be benign by multiple in silico algorithms, and/or has population frequency not consistent with disease.

Breakthrough Genomics
Classification: Benign. Review status: criteria provided, single submitter. Criteria: ACMG Guidelines, 2015. Collection method: not provided. Allele origin: germline. Inheritance: Autosomal recessive inheritance. Affected: yes.

NM_018429.3(BDP1):c.4060-77G>A

Gene: BDP1 (BDP1 general transcription factor IIIB subunit; plus strand). Cytogenetic location: 5q13.2.
Variant type: single nucleotide variant.
Coding change: c.4060-77G>A on transcript NM_018429.3 (MANE Select); 77 bases into the intron before coding-DNA position 4060, G replaced by A.
Molecular consequence: intron variant.
Genome position (GRCh38, 1-based): chr5:71,512,164, G>A. VCF-style: chr5-71512164-G-A. GRCh37 (hg19) VCF-style: chr5-70807991-G-A.
Identifiers: ClinVar variation 682760 (VCV000682760.5), dbSNP rs418738, ClinGen allele CA120002475.